The following is an entry in ClinVar:

ClinVar aggregate classification (germline): Likely benign. Review status: criteria provided, multiple submitters, no conflicts (2 of 4 stars). 2 submissions from 2 submitters: Likely benign (2). Last evaluated 2017-04-27.

Conditions:
Mitochondrial complex IV deficiency, nuclear type 1 (MC4DN1). Also called: COX DEFICIENCY; Mitochondrial complex IV deficiency; Complex 4 mitochondrial respiratory chain deficiency; Deficiency of mitochondrial respiratory chain complex4; Complex IV deficiency. Identifiers: MedGen C5435656, MONDO:0700250, OMIM 220110. Disease mechanism: loss of function.

Allele frequency attached by ClinVar (database versions not stated): gnomAD exomes 0.00218; gnomAD 0.01361 and 0.01456; TOPMed 0.01461; 1000 Genomes Project 0.01577; 1000 Genomes Project 30x 0.01905.
gnomAD v4.1: 2,545 of 376,156 alleles (0.68%); highest among the groups gnomAD compares: African/African-American, 4.6%; 69 homozygotes.

Submissions (2):

Illumina Laboratory Services, Illumina
Classification: Likely benign for Mitochondrial complex IV deficiency, nuclear type 1. Last evaluated: 2017-04-27. Review status: criteria provided, single submitter. Criteria: ICSL Variant Classification Criteria 13 December 2019. Collection method: clinical testing. Allele origin: germline.
Comment: This variant was observed as part of a predisposition screen in an ostensibly healthy population. A literature search was performed for the gene, cDNA change, and amino acid change (where applicable). No publications were found based on this search. Allele frequency data from public databases allowed determination this variant is unlikely to cause disease. Therefore, this variant is classified as likely benign.

Breakthrough Genomics
Classification: Likely benign. Review status: criteria provided, single submitter. Criteria: ACMG Guidelines, 2015. Collection method: not provided. Allele origin: germline. Inheritance: Autosomal recessive inheritance. Affected: yes.

NM_016360.4(TACO1):c.*343C>T

Gene: TACO1 (translational activator of cytochrome c oxidase I; plus strand). Cytogenetic location: 17q23.3.
Variant type: single nucleotide variant.
Coding change: c.*343C>T on transcript NM_016360.4 (MANE Select); 343 bases downstream of the stop codon, C replaced by T.
Molecular consequence: 3 prime UTR variant.
Genome position (GRCh38, 1-based): chr17:63,608,345, C>T. VCF-style: chr17-63608345-C-T. GRCh37 (hg19) VCF-style: chr17-61685705-C-T.
Identifiers: ClinVar variation 889780 (VCV000889780.5), dbSNP rs116289277, ClinGen allele CA292910534.